The following is an entry in ClinVar:

ClinVar aggregate classification (germline): Uncertain significance (1 of 4 stars; one submission).

Conditions:
Arrhythmogenic right ventricular dysplasia 8 (ARVD8). Also called: Arrhythmogenic Right Ventricular Dysplasia/Cardiomyopathy 8; ARRHYTHMOGENIC RIGHT VENTRICULAR DYSPLASIA, FAMILIAL, 8; ARRHYTHMOGENIC RIGHT VENTRICULAR CARDIOMYOPATHY 8. Identifiers: MedGen C1843896, MONDO:0011831, OMIM 607450.
Arrhythmogenic cardiomyopathy with wooly hair and keratoderma. Also called: PALMOPLANTAR KERATODERMA WITH LEFT VENTRICULAR CARDIOMYOPATHY AND WOOLLY HAIR; Carvajal syndrome; Dilated cardiomyopathy with woolly hair and keratoderma; Arrhythmogenic cardiomyopathy with woolly hair and keratoderma. Identifiers: Orphanet 65282, MedGen C1854063, MONDO:0011581, OMIM 605676.

Submission:

Labcorp Genetics (formerly Invitae), Labcorp
Classification: Uncertain significance for Arrhythmogenic cardiomyopathy with wooly hair and keratoderma; Arrhythmogenic right ventricular dysplasia 8. Last evaluated: 2024-04-04. Review status: criteria provided, single submitter. Criteria: Invitae Variant Classification Sherloc (09022015). Collection method: clinical testing. Allele origin: germline.
Comment: This sequence change replaces glycine, which is neutral and non-polar, with glutamic acid, which is acidic and polar, at codon 971 of the DSP protein (p.Gly971Glu). This variant is not present in population databases (gnomAD no frequency). This variant has not been reported in the literature in individuals affected with DSP-related conditions. An algorithm developed to predict the effect of missense changes on protein structure and function (PolyPhen-2) suggests that this variant is likely to be disruptive. In summary, the available evidence is currently insufficient to determine the role of this variant in disease. Therefore, it has been classified as a Variant of Uncertain Significance.

NM_004415.4(DSP):c.2912G>A (p.Gly971Glu)

Gene: DSP (desmoplakin; plus strand). Cytogenetic location: 6p24.3.
Variant type: single nucleotide variant.
Coding change: c.2912G>A on transcript NM_004415.4 (MANE Select); coding-DNA position 2912, G replaced by A.
Protein change: p.Gly971Glu; replaces glycine 971 with glutamic acid.
Molecular consequence: missense variant.
Genome position (GRCh38, 1-based): chr6:7,577,813, G>A. VCF-style: chr6-7577813-G-A. GRCh37 (hg19) VCF-style: chr6-7578046-G-A.
Other names: c.2912G>A, p.Gly971Glu (NM_001008844.3, NM_001319034.2); short protein forms G971E.
Identifiers: ClinVar variation 3755574 (VCV003755574.2).